The following is an entry in ClinVar:

ClinVar aggregate classification (germline): Likely pathogenic (1 of 4 stars; one submission).

Submission:

Laboratorio de Genetica e Diagnostico Molecular, Hospital Israelita Albert Einstein
Classification: Likely pathogenic. Last evaluated: 2020-08-14. Review status: criteria provided, single submitter. Criteria: ACMG Guidelines, 2015. Collection method: clinical testing. Allele origin: germline. Affected: yes.
Comment: ACMG classification criteria: PVS1, PM2

NM_022455.5(NSD1):c.7638del (p.Leu2548fs)

Gene: NSD1 (nuclear receptor binding SET domain protein 1; plus strand). Cytogenetic location: 5q35.3.
Variant type: Deletion.
Coding change: c.7638del on transcript NM_022455.5 (MANE Select); coding-DNA position 7638, one base deleted (C; older notation c.7638delC).
Protein change: p.Leu2548fs; shifts the reading frame from leucine 2548.
Molecular consequence: frameshift variant.
Genome position (GRCh38, 1-based): chr5:177,295,006, C deleted; the last of 2 consecutive C bases (chr5:177,295,005-177,295,006); deleting either gives the same sequence. VCF-style (leftmost placement, unchanged base first): chr5-177295004-GC-G. GRCh37 (hg19) VCF-style: chr5-176722005-GC-G.
Other names: c.7637delC (NM_022455.5); c.6765delC, p.Leu2257Tyrfs (NM_001365684.2, NM_001409308.1, NM_172349.5); c.7638delC, p.Leu2548Tyrfs (NM_001409301.1, NM_001409302.1, NM_001409303.1); c.7218delC, p.Leu2408Tyrfs (NM_001409304.1); c.6885delC, p.Leu2297Tyrfs (NM_001409305.1); c.6876delC, p.Leu2294Tyrfs (NM_001409306.1, NM_001409307.1); c.6516delC, p.Leu2174Tyrfs (NM_001409309.1); short protein forms L2279fs, L2548fs.
Identifiers: ClinVar variation 1690927 (VCV001690927.2), dbSNP rs2127283800, ClinGen allele CA2573139470.